The following is an entry in ClinVar:

NM_025114.4(CEP290):c.4046T>C (p.Met1349Thr)

Gene: CEP290 (centrosomal protein 290; minus strand). Cytogenetic location: 12q21.32.
Variant type: single nucleotide variant.
Coding change: c.4046T>C on transcript NM_025114.4 (MANE Select); coding-DNA position 4046, T replaced by C.
Protein change: p.Met1349Thr; replaces methionine 1349 with threonine.
Molecular consequence: missense variant.
Genome position (GRCh38, 1-based): chr12:88,087,928, A>G on the plus strand (T>C on the coding strand, the complement: CEP290 is on the minus strand). VCF-style: chr12-88087928-A-G. GRCh37 (hg19) VCF-style: chr12-88481705-A-G.
Other names: short protein forms M1349T.
Identifiers: ClinVar variation 4984364 (VCV004984364.1).

ClinVar aggregate classification (germline): Uncertain significance (1 of 4 stars; one submission).

Conditions:
CEP290-related disorder. Also called: CEP290-related disorders; CEP290-related condition. Identifiers: MedGen CN239314.

Submission:

PreventionGenetics, part of Exact Sciences
Classification: Uncertain significance for CEP290-related condition. Last evaluated: 2026-08-20. Review status: criteria provided, single submitter. Criteria: ACMG Guidelines, 2015. Collection method: clinical testing. Allele origin: germline.
Comment: The CEP290 c.4046T>C variant is predicted to result in the amino acid substitution p.Met1349Thr. To our knowledge, this variant has not been reported in the literature. This variant is reported in 0.064% of alleles in individuals of East Asian descent in gnomAD. Although we suspect that this variant may be benign, at this time, the clinical significance of this variant is uncertain due to the absence of conclusive functional and genetic evidence.